The following is an entry in ClinVar:

NM_023110.3(FGFR1):c.-78A>T

Gene: FGFR1 (fibroblast growth factor receptor 1; minus strand). Cytogenetic location: 8p11.23.
Variant type: single nucleotide variant.
Coding change: c.-78A>T on transcript NM_023110.3 (MANE Select); 78 bases upstream of the start codon, A replaced by T.
Molecular consequence: 5 prime UTR variant. On other transcripts: nonsense (1).
Genome position (GRCh38, 1-based): chr8:38,457,524, T>A on the plus strand (A>T on the coding strand, the complement: FGFR1 is on the minus strand). VCF-style: chr8-38457524-T-A. GRCh37 (hg19) VCF-style: chr8-38315042-T-A.
Other names: c.-78A>T (NM_001174063.2, NM_001174065.2, NM_001174066.2 and 7 more transcripts); c.-170A>T (NM_001174064.2); c.22A>T, p.Lys8Ter (NM_001174067.2); short protein forms K8*.
Identifiers: ClinVar variation 504121 (VCV000504121.2), dbSNP rs1554594314, ClinGen allele CA370767475.
Genomic context (GRCh38, chr8:38,457,524, plus strand): 5'-AGGTTGGTGACAAGGCTCCACATCTCCATGGATACTCCACAGTGAGCTCGATCCTCCTTT[T>A]CAAACTGACCCTGAGGAAAGGAAAAAAACCCCAAAAGTTAGGAGGGTCTAGGTAGGGGAG-3'

ClinVar aggregate classification (germline): Uncertain significance (1 of 4 stars; one submission).

gnomAD v4.1: 1 of 1,598,178 alleles (0.000063%); highest among the groups gnomAD compares: Non-Finnish European, 0.000085%; no homozygotes.

Submission:

GeneDx
Classification: Uncertain significance. Last evaluated: 2018-01-24. Review status: criteria provided, single submitter. Criteria: GeneDx Variant Classification (06012015). Collection method: clinical testing. Allele origin: germline. Affected: yes.
Comment: The K8X variant, present in an alternate transcript of the FGFR1 gene, has not been reported previously as a pathogenic variant nor as a benign variant, to our knowledge. This variant is predicted to cause loss of normal protein function either through protein truncation or nonsense-mediated mRNA decay. The K8X variant is not observed in large population cohorts (Lek et al., 2016). We interpret K8X as a variant of uncertain significance.